The following is an entry in ClinVar:

ClinVar aggregate classification (germline): Uncertain significance (1 of 4 stars; one submission).

Conditions:
Hereditary cancer-predisposing syndrome. Also called: Tumor predisposition; Hereditary Cancer Syndrome; Neoplastic Syndromes, Hereditary; Hereditary neoplastic syndrome. Identifiers: Orphanet 140162, MedGen C0027672, MeSH D009386, MONDO:0015356.

Submission:

Ambry Genetics
Classification: Uncertain significance for Hereditary cancer-predisposing syndrome. Last evaluated: 2018-03-13. Review status: criteria provided, single submitter. Criteria: Ambry Variant Classification Scheme 2023. Collection method: clinical testing. Allele origin: germline.
Comment: The p.L893P variant (also known as c.2678T>C), located in coding exon 4 of the MSH6 gene, results from a T to C substitution at nucleotide position 2678. The leucine at codon 893 is replaced by proline, an amino acid with similar properties. This amino acid position is well conserved in available vertebrate species. In addition, this alteration is predicted to be deleterious by in silico analysis. In addition, the CoDP in silico tool predicts this alteration to have minor impact on molecular function, with a score of 0.117 (Terui H et al. J. Biomed. Sci. 2013 Apr;20:25). Since supporting evidence is limited at this time, the clinical significance of this alteration remains unclear.

NM_000179.3(MSH6):c.2678T>C (p.Leu893Pro)

Gene: MSH6 (mutS homolog 6; plus strand). Cytogenetic location: 2p16.3.
Variant type: single nucleotide variant.
Coding change: c.2678T>C on transcript NM_000179.3 (MANE Select); coding-DNA position 2678, T replaced by C.
Protein change: p.Leu893Pro; replaces leucine 893 with proline.
Molecular consequence: missense variant.
Genome position (GRCh38, 1-based): chr2:47,800,661, T>C. VCF-style: chr2-47800661-T-C. GRCh37 (hg19) VCF-style: chr2-48027800-T-C.
Other names: c.2153T>C, p.Leu718Pro (NM_001406806.1, NM_001406807.1, NM_001406799.1); c.2678T>C, p.Leu893Pro (NM_001406808.1, NM_001406809.1, NM_001406796.1 and 2 more transcripts); c.1772T>C, p.Leu591Pro (NM_001406811.1, NM_001406812.1, NM_001406814.1 and 6 more transcripts); c.2684T>C, p.Leu895Pro (NM_001406813.1); c.2381T>C, p.Leu794Pro (NM_001406818.1, NM_001406819.1, NM_001406820.1 and 10 more transcripts); c.2510T>C, p.Leu837Pro (NM_001406826.1); c.2288T>C, p.Leu763Pro (NM_001281492.2); c.2774T>C, p.Leu925Pro (NM_001406795.1, NM_001406802.1); and 1 more; short protein forms L591P, L763P, L837P, L893P, L794P, L895P, L867P, L925P.
Identifiers: ClinVar variation 1794631 (VCV001794631.2), dbSNP rs2530686603, ClinGen allele CA346755276.